The following is an entry in ClinVar:

NM_001079.4(ZAP70):c.1394G>C (p.Arg465Pro)

Gene: ZAP70 (zeta chain of T cell receptor associated protein kinase 70; plus strand). Cytogenetic location: 2q11.2.
Variant type: single nucleotide variant.
Coding change: c.1394G>C on transcript NM_001079.4 (MANE Select); coding-DNA position 1394, G replaced by C.
Protein change: p.Arg465Pro; replaces arginine 465 with proline.
Molecular consequence: missense variant.
Genome position (GRCh38, 1-based): chr2:97,737,577, G>C. VCF-style: chr2-97737577-G-C. GRCh37 (hg19) VCF-style: chr2-98354040-G-C.
Other names: c.1394G>C, p.Arg465Pro (NM_001378594.1); c.473G>C, p.Arg158Pro (NM_207519.2); short protein forms R158P, R465P.
Identifiers: ClinVar variation 4689573 (VCV004689573.1).

ClinVar aggregate classification (germline): Uncertain significance (1 of 4 stars; one submission).

Submission:

Women's Health and Genetics/Laboratory Corporation of America, LabCorp
Classification: Uncertain significance. Last evaluated: 2026-01-07. Review status: criteria provided, single submitter. Criteria: LabCorp Variant Classification Summary - May 2015. Collection method: clinical testing. Allele origin: germline.
Comment: Variant summary: ZAP70 c.1394G>C (p.Arg465Pro) results in a non-conservative amino acid change in the encoded protein sequence. Algorithms developed to predict the effect of missense changes on protein structure and function all suggest that this variant is likely to be disruptive. The variant was absent in 251240 control chromosomes. The available data on variant occurrences in the general population are insufficient to allow any conclusion about variant significance. To our knowledge, no occurrence of c.1394G>C in individuals affected with ZAP70-related conditions and no experimental evidence demonstrating its impact on protein function have been reported. No submitters have cited clinical-significance assessments for this variant to ClinVar. Based on the evidence outlined above, the variant was classified as uncertain significance.